The following is an entry in ClinVar:

ClinVar aggregate classification (germline): Uncertain significance (1 of 4 stars; one submission).

Conditions:
Hereditary cancer-predisposing syndrome. Also called: Neoplastic Syndromes, Hereditary; Tumor predisposition; Hereditary Cancer Syndrome; Hereditary neoplastic syndrome. Identifiers: Orphanet 140162, MedGen C0027672, MeSH D009386, MONDO:0015356.

Submission:

Ambry Genetics
Classification: Uncertain significance for Hereditary cancer-predisposing syndrome. Last evaluated: 2026-01-22. Review status: criteria provided, single submitter. Criteria: Ambry Variant Classification Scheme 2023. Collection method: clinical testing. Allele origin: germline.
Comment: The c.6004+5G>A intronic variant results from a G to A substitution 5 nucleotides after coding exon 43 in the POLE gene. This nucleotide position is highly conserved in available vertebrate species. In silico splice site analysis predicts that this alteration will not have any significant effect on splicing. Based on the available evidence, the clinical significance of this variant remains unclear.

NM_006231.4(POLE):c.6004+5G>A

Gene: POLE (DNA polymerase epsilon, catalytic subunit; minus strand). Cytogenetic location: 12q24.33.
Variant type: single nucleotide variant.
Coding change: c.6004+5G>A on transcript NM_006231.4 (MANE Select); 5 bases into the intron after coding-DNA position 6004, G replaced by A.
Molecular consequence: intron variant.
Genome position (GRCh38, 1-based): chr12:132,634,181, C>T on the plus strand (G>A on the coding strand, the complement: POLE is on the minus strand). VCF-style: chr12-132634181-C-T. GRCh37 (hg19) VCF-style: chr12-133210767-C-T.
Identifiers: ClinVar variation 4844258 (VCV004844258.1).